The following is an entry in ClinVar:

NM_000291.4(PGK1):c.288G>A (p.Leu96=)

Gene: PGK1 (phosphoglycerate kinase 1; plus strand). Cytogenetic location: Xq21.1.
Variant type: single nucleotide variant.
Coding change: c.288G>A on transcript NM_000291.4 (MANE Select); coding-DNA position 288, G replaced by A.
Protein change: p.Leu96=; no amino-acid change (leucine 96 retained).
Molecular consequence: synonymous variant.
Genome position (GRCh38, 1-based): chrX:78,114,031, G>A. VCF-style: chrX-78114031-G-A. GRCh37 (hg19) VCF-style: chrX-77369528-G-A.
Identifiers: ClinVar variation 5007607 (VCV005007607.2).

ClinVar aggregate classification (germline): Uncertain significance (1 of 4 stars; one submission).

Conditions:
Glycogen storage disease due to phosphoglycerate kinase 1 deficiency. Also called: PGK1 DEFICIENCY; PHOSPHOGLYCERATE KINASE 1 DEFICIENCY WITH LEVO-DOPA-RESPONSIVE PARKINSONISM. Identifiers: Orphanet 713, MedGen C1970848, MONDO:0010392, OMIM 300653.

Submission:

Juno Genomics, Hangzhou Juno Genomics, Inc
Classification: Uncertain significance for Glycogen storage disease due to phosphoglycerate kinase 1 deficiency. Review status: criteria provided, single submitter. Criteria: ACMG Guidelines, 2015. Collection method: clinical testing. Allele origin: germline.
Comment: Absent from controls (or at extremely low frequency if recessive) in Genome Aggregation Database.;Multiple lines of computational evidence support a deleterious effect on the gene or gene product.